The following is an entry in ClinVar:

ClinVar aggregate classification (germline): Uncertain significance. Review status: criteria provided, multiple submitters, no conflicts (2 of 4 stars). 2 submissions from 2 submitters: Uncertain significance (2). Last evaluated 2025-03-21.

Conditions:
Autosomal dominant Parkinson disease 8. Also called: Parkinson disease 8, susceptibility to; LRRK2-Related Parkinson Disease; Parkinson disease 8. Identifiers: Orphanet 411602, MedGen C1846862, MONDO:0011764, OMIM 607060.

Allele frequency attached by ClinVar (database versions not stated): gnomAD exomes 0.00001.
gnomAD v4.1: 10 of 1,552,450 alleles (0.00064%); highest among the groups gnomAD compares: Non-Finnish European, 0.00089%; no homozygotes.

Submissions (2):

Women's Health and Genetics/Laboratory Corporation of America, LabCorp
Classification: Uncertain significance. Last evaluated: 2025-03-21. Review status: criteria provided, single submitter. Criteria: LabCorp Variant Classification Summary - May 2015. Collection method: clinical testing. Allele origin: germline.
Comment: Variant summary: LRRK2 c.1289T>C (p.Val430Ala) results in a non-conservative amino acid change in the encoded protein sequence. Two of four in-silico tools predict a benign effect of the variant on protein function. Consensus agreement among computation tools predict no significant impact on normal splicing. However, these predictions have yet to be confirmed by functional studies. The variant was absent in 248954 control chromosomes. The available data on variant occurrences in the general population are insufficient to allow any conclusion about variant significance. To our knowledge, no occurrence of c.1289T>C in individuals affected with Autosomal dominant Parkinson disease 8 and no experimental evidence demonstrating its impact on protein function have been reported. ClinVar contains an entry for this variant (Variation ID: 2166686). Based on the evidence outlined above, the variant was classified as uncertain significance.

Labcorp Genetics (formerly Invitae), Labcorp
Classification: Uncertain significance for Autosomal dominant Parkinson disease 8. Last evaluated: 2022-08-13. Review status: criteria provided, single submitter. Criteria: Invitae Variant Classification Sherloc (09022015). Collection method: clinical testing. Allele origin: germline.
Comment: This sequence change replaces valine, which is neutral and non-polar, with alanine, which is neutral and non-polar, at codon 430 of the LRRK2 protein (p.Val430Ala). This variant is not present in population databases (gnomAD no frequency). This variant has not been reported in the literature in individuals affected with LRRK2-related conditions. Algorithms developed to predict the effect of missense changes on protein structure and function (SIFT, PolyPhen-2, Align-GVGD) all suggest that this variant is likely to be tolerated. Algorithms developed to predict the effect of sequence changes on RNA splicing suggest that this variant may disrupt the consensus splice site. In summary, the available evidence is currently insufficient to determine the role of this variant in disease. Therefore, it has been classified as a Variant of Uncertain Significance.

NM_198578.4(LRRK2):c.1289T>C (p.Val430Ala)

Gene: LRRK2 (leucine rich repeat kinase 2; plus strand). Cytogenetic location: 12q12.
Variant type: single nucleotide variant.
Coding change: c.1289T>C on transcript NM_198578.4 (MANE Select); coding-DNA position 1289, T replaced by C.
Protein change: p.Val430Ala; replaces valine 430 with alanine.
Molecular consequence: missense variant.
Genome position (GRCh38, 1-based): chr12:40,257,248, T>C. VCF-style: chr12-40257248-T-C. GRCh37 (hg19) VCF-style: chr12-40651050-T-C.
Other names: short protein forms V430A.
Identifiers: ClinVar variation 2166686 (VCV002166686.5), dbSNP rs2499537364, ClinGen allele CA384410372.
Genomic context (GRCh38, chr12:40,257,248, plus strand): 5'-TATGGTAAAATTATGAAAATATGCTTTCATATCTATAAGTAACATTTTAAAAAATCTCAG[T>C]TAATTTCAGAAAAATACTGTTATCAAAAGGAATACACCTGAATGTTTTGGAGTTAATGCA-3'
Protein context (NP_940980.4, residues 420-440): NALSTLLEQN[Val430Ala]NFRKILLSKG